The following is an entry in ClinVar:

NM_001040142.2(SCN2A):c.4436A>C (p.Gln1479Pro)

Gene: SCN2A (sodium voltage-gated channel alpha subunit 2; plus strand). Cytogenetic location: 2q24.3.
Variant type: single nucleotide variant.
Coding change: c.4436A>C on transcript NM_001040142.2 (MANE Select); coding-DNA position 4436, A replaced by C.
Protein change: p.Gln1479Pro; replaces glutamine 1479 with proline.
Molecular consequence: missense variant.
Genome position (GRCh38, 1-based): chr2:165,380,719, A>C. VCF-style: chr2-165380719-A-C. GRCh37 (hg19) VCF-style: chr2-166237229-A-C.
Other names: c.4436A>C, p.Gln1479Pro (NM_001040143.2, NM_001371246.1, NM_001371247.1 and 1 more transcripts); short protein forms Q1479P.
Identifiers: ClinVar variation 2687768 (VCV002687768.2), dbSNP rs2468126722, ClinGen allele CA349034354.

Conditions:
Complex neurodevelopmental disorder. Identifiers: Orphanet 528084, MedGen C5568766, MONDO:0100038.

Submission:

Channelopathy-Associated Epilepsy Research Center
No classification provided (evidence only). Condition: Complex neurodevelopmental disorder. Review status: no classification provided. Collection method: literature only. Allele origin: not applicable. Functional consequence: Moderate decrease in peak current, Normal voltage dependence of activation, Normal slope of activation, Normal voltage dependence of fast inactivation, Normal slope of fast inactivation, Severe slowing of recovery from fast inactivation, Slowing of recovery from slow inactivation, Normal fast inactivation.
ClinVar note: "not provided" was previously submitted as the classification for the variant. However, the classification appeared to be based only on an observation of functional data so it was converted to no classification on 2025-07-30.

Literature cited by the submitters: PubMed 37578743.